The following is an entry in ClinVar:

NM_018474.6(KIZ):c.1759G>A (p.Asp587Asn)

Gene: KIZ (kizuna centrosomal protein; plus strand). Cytogenetic location: 20p11.23.
Variant type: single nucleotide variant.
Coding change: c.1759G>A on transcript NM_018474.6 (MANE Select); coding-DNA position 1759, G replaced by A.
Protein change: p.Asp587Asn; replaces aspartic acid 587 with asparagine.
Molecular consequence: missense variant.
Genome position (GRCh38, 1-based): chr20:21,229,091, G>A. VCF-style: chr20-21229091-G-A. GRCh37 (hg19) VCF-style: chr20-21209729-G-A.
Other names: c.1450G>A, p.Asp484Asn (NM_001163022.3); c.1360G>A, p.Asp454Asn (NM_001163023.3); c.1612G>A, p.Asp538Asn (NM_001276389.2); c.1705G>A, p.Asp569Asn (NM_001352434.2); c.1396G>A, p.Asp466Asn (NM_001352435.2); c.1417G>A, p.Asp473Asn (NM_001352436.2); short protein forms D454N, D587N, D466N, D538N, D569N, D473N, D484N.
Identifiers: ClinVar variation 1448462 (VCV001448462.5), dbSNP rs1402694515, ClinGen allele CA9784963.

ClinVar aggregate classification (germline): Conflicting classifications of pathogenicity. Review status: criteria provided, conflicting classifications (1 of 4 stars). 2 submissions from 2 submitters: Uncertain significance (1); Likely benign (1). Last evaluated 2023-02-20.

Allele frequency attached by ClinVar (database versions not stated): gnomAD 0.00003 and 0.00004; gnomAD exomes 0.00003 and 0.00007; TOPMed 0.00005; ExAC 0.00011.
gnomAD v4.1: 25 of 1,610,500 alleles (0.0016%); highest among the groups gnomAD compares: Admixed American, 0.038%; no homozygotes.

Submissions (2):

Labcorp Genetics (formerly Invitae), Labcorp
Classification: Uncertain significance. Last evaluated: 2023-02-20. Review status: criteria provided, single submitter. Criteria: Invitae Variant Classification Sherloc (09022015). Collection method: clinical testing. Allele origin: germline.
Comment: This sequence change replaces aspartic acid, which is acidic and polar, with asparagine, which is neutral and polar, at codon 587 of the KIZ protein (p.Asp587Asn). This variant is present in population databases (no rsID available, gnomAD 0.05%). This variant has not been reported in the literature in individuals affected with KIZ-related conditions. ClinVar contains an entry for this variant (Variation ID: 1448462). Experimental studies and prediction algorithms are not available or were not evaluated, and the functional significance of this variant is currently unknown. In summary, the available evidence is currently insufficient to determine the role of this variant in disease. Therefore, it has been classified as a Variant of Uncertain Significance.

Blueprint Genetics
Classification: Likely benign. Last evaluated: 2019-07-31. Review status: criteria provided, single submitter. Criteria: ACMG Guidelines, 2015. Collection method: clinical testing. Allele origin: germline.